The following is an entry in ClinVar:

NM_018230.3(NUP133):c.2551+6T>C

Gene: NUP133 (nucleoporin 133; minus strand). Cytogenetic location: 1q42.13.
Variant type: single nucleotide variant.
Coding change: c.2551+6T>C on transcript NM_018230.3 (MANE Select); 6 bases into the intron after coding-DNA position 2551, T replaced by C.
Molecular consequence: intron variant.
Genome position (GRCh38, 1-based): chr1:229,464,618, A>G on the plus strand (T>C on the coding strand, the complement: NUP133 is on the minus strand). VCF-style: chr1-229464618-A-G. GRCh37 (hg19) VCF-style: chr1-229600365-A-G.
Identifiers: ClinVar variation 3881674 (VCV003881674.1).

ClinVar aggregate classification (germline): Uncertain significance (1 of 4 stars; one submission).

gnomAD v4.1: 1 of 1,613,184 alleles (0.000062%); highest among the groups gnomAD compares: Non-Finnish European, 0.000085%; no homozygotes.

Submission:

Ambry Genetics
Classification: Uncertain significance. Last evaluated: 2025-02-04. Review status: criteria provided, single submitter. Criteria: Ambry Variant Classification Scheme 2023. Collection method: clinical testing. Allele origin: germline.
Comment: Does not currently meet published gene-disease clinical validity criteria Based on insufficient or conflicting evidence, the clinical significance of this alteration remains unclear.

Literature cited by the submitters: PubMed 28106320.